The following is an entry in ClinVar:

NM_006231.4(POLE):c.5366C>G (p.Ser1789Cys)

Gene: POLE (DNA polymerase epsilon, catalytic subunit; minus strand). Cytogenetic location: 12q24.33.
Variant type: single nucleotide variant.
Coding change: c.5366C>G on transcript NM_006231.4 (MANE Select); coding-DNA position 5366, C replaced by G.
Protein change: p.Ser1789Cys; replaces serine 1789 with cysteine.
Molecular consequence: missense variant.
Genome position (GRCh38, 1-based): chr12:132,641,659, G>C on the plus strand (C>G on the coding strand, the complement: POLE is on the minus strand). VCF-style: chr12-132641659-G-C. GRCh37 (hg19) VCF-style: chr12-133218245-G-C.
Other names: short protein forms S1789C.
Identifiers: ClinVar variation 4745627 (VCV004745627.1).
Genomic context (GRCh38, chr12:132,641,659, plus strand): 5'-GGATAAGACCCTTCTATTAGTAACACTCCTTCCCAGAGAGGGTGGCACCTGAAGGTGTTA[G>C]AGCACAGGGCTGTCTCATCGTAGCTGGCCGGGGCACTGGCAGCCTGACCACCCGTGATCA-3'
Protein context (NP_006222.2, residues 1779-1799): PASYDETALC[Ser1789Cys]NTFRILKSMV

ClinVar aggregate classification (germline): Uncertain significance (1 of 4 stars; one submission).

Submission:

Labcorp Genetics (formerly Invitae), Labcorp
Classification: Uncertain significance. Last evaluated: 2025-06-03. Review status: criteria provided, single submitter. Criteria: Invitae Variant Classification Sherloc (09022015). Collection method: clinical testing. Allele origin: germline.
Comment: This sequence change replaces serine, which is neutral and polar, with cysteine, which is neutral and slightly polar, at codon 1789 of the POLE protein (p.Ser1789Cys). This variant is not present in population databases (gnomAD no frequency). This variant has not been reported in the literature in individuals affected with POLE-related conditions. Invitae Evidence Modeling of protein sequence and biophysical properties (such as structural, functional, and spatial information, amino acid conservation, physicochemical variation, residue mobility, and thermodynamic stability) indicates that this missense variant is not expected to disrupt POLE protein function with a negative predictive value of 80%. In summary, the available evidence is currently insufficient to determine the role of this variant in disease. Therefore, it has been classified as a Variant of Uncertain Significance.